The following is an entry in ClinVar:

NM_000426.4(LAMA2):c.5089A>G (p.Ile1697Val)

Gene: LAMA2 (laminin subunit alpha 2; plus strand). Cytogenetic location: 6q22.33.
Variant type: single nucleotide variant.
Coding change: c.5089A>G on transcript NM_000426.4 (MANE Select); coding-DNA position 5089, A replaced by G.
Protein change: p.Ile1697Val; replaces isoleucine 1697 with valine.
Molecular consequence: missense variant.
Genome position (GRCh38, 1-based): chr6:129,391,508, A>G. VCF-style: chr6-129391508-A-G. GRCh37 (hg19) VCF-style: chr6-129712653-A-G.
Other names: c.5089A>G, p.Ile1697Val (NM_001079823.2); short protein forms I1697V.
Identifiers: ClinVar variation 1905335 (VCV001905335.4), dbSNP rs193292430, ClinGen allele CA3993779.

ClinVar aggregate classification (germline): Uncertain significance (1 of 4 stars; one submission).

Conditions:
LAMA2-related muscular dystrophy (LAMA2-RD). Also called: Laminin alpha 2-related dystrophy. Identifiers: MedGen C5679788, MONDO:0100228.

Allele frequency attached by ClinVar (database versions not stated): ExAC 0.00001; gnomAD 0.00001; 1000 Genomes Project 30x 0.00016; 1000 Genomes Project 0.00020.
gnomAD v4.1: 2 of 1,613,874 alleles (0.00012%); highest among the groups gnomAD compares: African/African-American, 0.0013%; no homozygotes.

Submission:

Labcorp Genetics (formerly Invitae), Labcorp
Classification: Uncertain significance for LAMA2-related muscular dystrophy. Last evaluated: 2024-10-18. Review status: criteria provided, single submitter. Criteria: Invitae Variant Classification Sherloc (09022015). Collection method: clinical testing. Allele origin: germline.
Comment: This sequence change replaces isoleucine, which is neutral and non-polar, with valine, which is neutral and non-polar, at codon 1697 of the LAMA2 protein (p.Ile1697Val). This variant is not present in population databases (gnomAD no frequency). This variant has not been reported in the literature in individuals affected with LAMA2-related conditions. ClinVar contains an entry for this variant (Variation ID: 1905335). Invitae Evidence Modeling of protein sequence and biophysical properties (such as structural, functional, and spatial information, amino acid conservation, physicochemical variation, residue mobility, and thermodynamic stability) indicates that this missense variant is not expected to disrupt LAMA2 protein function with a negative predictive value of 95%. In summary, the available evidence is currently insufficient to determine the role of this variant in disease. Therefore, it has been classified as a Variant of Uncertain Significance.